The following is an entry in ClinVar:

ClinVar aggregate classification (germline): Uncertain significance (1 of 4 stars; one submission).

Conditions:
Vici syndrome (VICIS). Identifiers: Orphanet 1493, MedGen C1855772, MONDO:0009452, OMIM 242840.

Allele frequency attached by ClinVar (database versions not stated): gnomAD exomes below 0.00001.
gnomAD v4.1: 1 of 1,614,032 alleles (0.000062%); highest among the groups gnomAD compares: South Asian, 0.0011%; no homozygotes.

Submission:

Labcorp Genetics (formerly Invitae), Labcorp
Classification: Uncertain significance for Vici syndrome. Last evaluated: 2021-11-15. Review status: criteria provided, single submitter. Criteria: Invitae Variant Classification Sherloc (09022015). Collection method: clinical testing. Allele origin: germline.
Comment: In summary, the available evidence is currently insufficient to determine the role of this variant in disease. Therefore, it has been classified as a Variant of Uncertain Significance. Algorithms developed to predict the effect of missense changes on protein structure and function output the following: SIFT: "Tolerated"; PolyPhen-2: "Benign"; Align-GVGD: "Class C0". The threonine amino acid residue is found in multiple mammalian species, which suggests that this missense change does not adversely affect protein function. This variant has not been reported in the literature in individuals affected with EPG5-related conditions. This variant is not present in population databases (gnomAD no frequency). This sequence change replaces arginine, which is basic and polar, with threonine, which is neutral and polar, at codon 110 of the EPG5 protein (p.Arg110Thr).

NM_020964.3(EPG5):c.329G>C (p.Arg110Thr)

Gene: EPG5 (ectopic P-granules 5 autophagy tethering factor; minus strand). Cytogenetic location: 18q21.1.
Variant type: single nucleotide variant.
Coding change: c.329G>C on transcript NM_020964.3 (MANE Select); coding-DNA position 329, G replaced by C.
Protein change: p.Arg110Thr; replaces arginine 110 with threonine.
Molecular consequence: missense variant.
Genome position (GRCh38, 1-based): chr18:45,955,073, C>G on the plus strand (G>C on the coding strand, the complement: EPG5 is on the minus strand). VCF-style: chr18-45955073-C-G. GRCh37 (hg19) VCF-style: chr18-43535039-C-G.
Other names: short protein forms R110T.
Identifiers: ClinVar variation 1488272 (VCV001488272.7), dbSNP rs2143791830, ClinGen allele CA402351963.